The following is an entry in ClinVar:

NM_005378.6(MYCN):c.835dup (p.Val279fs)

Gene: MYCN (MYCN proto-oncogene, bHLH transcription factor; plus strand). Cytogenetic location: 2p24.3.
Variant type: Duplication.
Coding change: c.835dup on transcript NM_005378.6 (MANE Select); coding-DNA position 835, one base duplicated (G; older notation c.835dupG).
Protein change: p.Val279fs; shifts the reading frame from valine 279.
Molecular consequence: frameshift variant. On other transcripts: 3 prime UTR variant (1).
Genome position (GRCh38, 1-based): chr2:15,945,537, G duplicated. VCF-style (leftmost placement, unchanged base first): chr2-15945536-C-CG. GRCh37 (hg19) VCF-style: chr2-16085658-C-CG.
Other names: c.835dup, p.Val279fs (NM_001293228.2); c.202dup, p.Val68fs (NM_001293231.2); c.*770dup (NM_001293233.2); short protein forms V279fs, V68fs.
Identifiers: ClinVar variation 1071408 (VCV001071408.7), dbSNP rs2103330395, ClinGen allele CA2499215138.

ClinVar aggregate classification (germline): Pathogenic (1 of 4 stars; one submission).

Submission:

Labcorp Genetics (formerly Invitae), Labcorp
Classification: Pathogenic. Last evaluated: 2018-03-20. Review status: criteria provided, single submitter. Criteria: Invitae Variant Classification Sherloc (09022015). Collection method: clinical testing. Allele origin: germline.
Comment: For these reasons, this variant has been classified as Pathogenic. This variant has not been reported in the literature in individuals with MYCN-related disease. This variant is not present in population databases (ExAC no frequency). This sequence change results in a premature translational stop signal in the MYCN gene (p.Val279Glyfs*64). While this is not anticipated to result in nonsense mediated decay, it is expected to disrupt the last 186 amino acids of the MYCN protein. A different truncation (p.Arg373*) that lies downstream of this variant has been determined to be pathogenic (PMID: 15821734). This suggests that deletion of this region of the MYCN protein is causative of disease.

Literature cited by the submitters: PubMed 15821734.